The following is an entry in ClinVar:

ClinVar aggregate classification (germline): Benign/Likely benign. Review status: criteria provided, multiple submitters, no conflicts (2 of 4 stars). 7 submissions from 7 submitters: Benign (1); Likely benign (6). Last evaluated 2026-09-01.

Conditions:
COL6A3-related disorder. Also called: COL6A3-related disorders; COL6A3-related condition.
Collagen 6-related myopathy. Identifiers: MedGen CN117976, MONDO:0100225.
Bethlem myopathy 1A. Also called: Bethlem Muscular Dystrophy; MYOPATHY, BENIGN CONGENITAL, WITH CONTRACTURES; Bethlem myopathy 1. Identifiers: Orphanet 610, MedGen CN029274, MONDO:0024530, OMIM 158810.

Allele frequency attached by ClinVar (database versions not stated): gnomAD 0.00044 and 0.00050; TOPMed 0.00061; ESP Exome Variant Server 0.00062; ExAC 0.00077; gnomAD exomes 0.00080; 1000 Genomes Project 0.00120; 1000 Genomes Project 30x 0.00125.
gnomAD v4.1: 678 of 1,614,132 alleles (0.042%); highest among the groups gnomAD compares: Middle Eastern, 0.21%; 5 homozygotes.

Submissions (7):

CeGaT Center for Human Genetics Tuebingen
Classification: Likely benign. Last evaluated: 2026-09-01. Review status: criteria provided, single submitter. Criteria: CeGaT Center For Human Genetics Tuebingen Variant Classification Criteria Version 2. Collection method: clinical testing. Allele origin: germline. Affected: yes. Observed: 3 variant alleles.
Comment: COL6A3: BP4, BP7

Labcorp Genetics (formerly Invitae), Labcorp
Classification: Likely benign for Bethlem myopathy 1A. Last evaluated: 2026-02-01. Review status: criteria provided, single submitter. Criteria: Invitae Variant Classification Sherloc (09022015). Collection method: clinical testing. Allele origin: germline.

PreventionGenetics, part of Exact Sciences
Classification: Likely benign for COL6A3-related condition. Last evaluated: 2024-12-02. Review status: criteria provided, single submitter. Criteria: ACMG Guidelines, 2015. Collection method: clinical testing. Allele origin: germline.
Comment: This variant is classified as likely benign based on ACMG/AMP sequence variant interpretation guidelines (Richards et al. 2015 PMID: 25741868, with internal and published modifications).

Illumina Laboratory Services, Illumina
Classification: Benign for Collagen VI-related myopathy. Last evaluated: 2018-01-12. Review status: criteria provided, single submitter. Criteria: ICSL Variant Classification Criteria 13 December 2019. Collection method: clinical testing. Allele origin: germline.
Comment: This variant was observed in the ICSL laboratory as part of a predisposition screen in an ostensibly healthy population. It had not been previously curated by ICSL or reported in the Human Gene Mutation Database (HGMD: prior to June 1st, 2018), and was therefore a candidate for classification through an automated scoring system. Utilizing variant allele frequency, disease prevalence and penetrance estimates, and inheritance mode, an automated score was calculated to assess if this variant is too frequent to cause the disease. Based on the score and internal cut-off values, a variant classified as benign is not then subjected to further curation. The score for this variant resulted in a classification of benign for this disease.

GeneDx
Classification: Likely benign. Last evaluated: 2017-03-28. Review status: criteria provided, single submitter. Criteria: GeneDx Variant Classification (06012015). Collection method: clinical testing. Allele origin: germline. Affected: yes.
Comment: This variant is considered likely benign or benign based on one or more of the following criteria: it is a conservative change, it occurs at a poorly conserved position in the protein, it is predicted to be benign by multiple in silico algorithms, and/or has population frequency not consistent with disease.

Eurofins Ntd Llc (ga)
Classification: Likely benign. Last evaluated: 2016-09-21. Review status: criteria provided, single submitter. Criteria: EGL Classification Definitions 2015. Collection method: clinical testing. Allele origin: germline. Observed: 10 variant alleles, 10 heterozygotes.

Breakthrough Genomics
Classification: Likely benign. Review status: criteria provided, single submitter. Criteria: ACMG Guidelines, 2015. Collection method: not provided. Allele origin: germline. Inheritance: Autosomal recessive inheritance. Affected: yes.

NM_004369.4(COL6A3):c.7779C>T (p.Ile2593=)

Gene: COL6A3 (collagen type VI alpha 3 chain; minus strand). Cytogenetic location: 2q37.3.
Variant type: single nucleotide variant.
Coding change: c.7779C>T on transcript NM_004369.4 (MANE Select); coding-DNA position 7779, C replaced by T.
Protein change: p.Ile2593=; no amino-acid change (isoleucine 2593 retained).
Molecular consequence: synonymous variant.
Genome position (GRCh38, 1-based): chr2:237,341,137, G>A on the plus strand (C>T on the coding strand, the complement: COL6A3 is on the minus strand). VCF-style: chr2-237341137-G-A. GRCh37 (hg19) VCF-style: chr2-238249780-G-A.
Other names: c.5958C>T, p.Ile1986= (NM_057166.5); c.7161C>T, p.Ile2387= (NM_057167.4).
Identifiers: ClinVar variation 94996 (VCV000094996.31), dbSNP rs144249704, ClinGen allele CA222661.